The following is an entry in ClinVar:

NM_001371727.1(GABRB2):c.535G>A (p.Glu179Lys)

Gene: GABRB2 (gamma-aminobutyric acid type A receptor subunit beta2; minus strand). Cytogenetic location: 5q34.
Variant type: single nucleotide variant.
Coding change: c.535G>A on transcript NM_001371727.1 (MANE Select); coding-DNA position 535, G replaced by A.
Protein change: p.Glu179Lys; replaces glutamic acid 179 with lysine.
Molecular consequence: missense variant.
Genome position (GRCh38, 1-based): chr5:161,410,981, C>T on the plus strand (G>A on the coding strand, the complement: GABRB2 is on the minus strand). VCF-style: chr5-161410981-C-T. GRCh37 (hg19) VCF-style: chr5-160837987-C-T.
Other names: c.535G>A, p.Glu179Lys (NM_000813.3, NM_021911.3); short protein forms E179K.
Identifiers: ClinVar variation 2835747 (VCV002835747.3), dbSNP rs2479889361, ClinGen allele CA362172116.

ClinVar aggregate classification (germline): Uncertain significance (1 of 4 stars; one submission).

Conditions:
Intellectual disability. Also called: Intellectual functioning disability; intellectual disabilities; Intellectual developmental disorder. Identifiers: MedGen C3714756, MeSH D008607, MONDO:0001071, HP:0001249.

Submission:

Labcorp Genetics (formerly Invitae), Labcorp
Classification: Uncertain significance for Intellectual disability. Last evaluated: 2023-02-22. Review status: criteria provided, single submitter. Criteria: Invitae Variant Classification Sherloc (09022015). Collection method: clinical testing. Allele origin: germline.
Comment: In summary, the available evidence is currently insufficient to determine the role of this variant in disease. Therefore, it has been classified as a Variant of Uncertain Significance. Advanced modeling of protein sequence and biophysical properties (such as structural, functional, and spatial information, amino acid conservation, physicochemical variation, residue mobility, and thermodynamic stability) has been performed at Invitae for this missense variant, however the output from this modeling did not meet the statistical confidence thresholds required to predict the impact of this variant on GABRB2 protein function. This variant has not been reported in the literature in individuals affected with GABRB2-related conditions. This variant is not present in population databases (gnomAD no frequency). This sequence change replaces glutamic acid, which is acidic and polar, with lysine, which is basic and polar, at codon 179 of the GABRB2 protein (p.Glu179Lys).